The following is an entry in ClinVar:

ClinVar aggregate classification (germline): Uncertain significance. Review status: criteria provided, multiple submitters, no conflicts (2 of 4 stars). 3 submissions from 3 submitters: Uncertain significance (3). Last evaluated 2025-05-12.

Conditions:
TTN-related disorder. Also called: TTN-related condition; TTN-related disease; TTN-related disorders.
Cardiovascular phenotype. Identifiers: MedGen CN230736.
Myopathy, myofibrillar, 9, with early respiratory failure (MFM9). Also called: Hereditary myopathy with early respiratory failure; EDSTROM MYOPATHY; MYOPATHY, PROXIMAL, WITH EARLY RESPIRATORY MUSCLE INVOLVEMENT; Myopathy, distal, with early respiratory failure, autosomal dominant. Identifiers: Orphanet 178464, Orphanet 34521, MedGen C1863599, MONDO:0011362, OMIM 603689.
Autosomal recessive limb-girdle muscular dystrophy type 2J (LGMDR10). Also called: Limb-girdle muscular dystrophy, type 2J; MUSCULAR DYSTROPHY, LIMB-GIRDLE, AUTOSOMAL RECESSIVE 10. Identifiers: Orphanet 140922, MedGen C1837342, MONDO:0012127, OMIM 608807.
Dilated cardiomyopathy 1G (CMD1G). Identifiers: Orphanet 154, MedGen C1858763, MONDO:0011400, OMIM 604145.
Early-onset myopathy with fatal cardiomyopathy (CMYO5). Also called: Salih Myopathy; CONGENITAL MYOPATHY 5 WITH CARDIOMYOPATHY. Identifiers: Orphanet 289377, MedGen C2673677, MONDO:0012714, OMIM 611705. Disease mechanism: loss of function.
Tibial muscular dystrophy (TMD). Also called: Udd Distal Myopathy – Tibial Muscular Dystrophy; UDD MYOPATHY; Tibial muscular dystrophy, tardive. Identifiers: Orphanet 609, MedGen C1838244, MONDO:0010870, OMIM 600334.
Hypertrophic cardiomyopathy 9. Also called: Familial hypertrophic cardiomyopathy 9. Identifiers: MedGen C1861065, MONDO:0013412, OMIM 613765.

Allele frequency attached by ClinVar (database versions not stated): gnomAD 0.00001 and 0.00002; gnomAD exomes 0.00001 and 0.00002; ExAC 0.00002; TOPMed 0.00003; 1000 Genomes Project 0.00020; 1000 Genomes Project 30x 0.00031.
gnomAD v4.1: 14 of 1,613,840 alleles (0.00087%); highest among the groups gnomAD compares: African/African-American, 0.016%; no homozygotes.

Submissions (3):

PreventionGenetics, part of Exact Sciences
Classification: Uncertain significance for TTN-related condition. Last evaluated: 2025-05-12. Review status: criteria provided, single submitter. Criteria: ACMG Guidelines, 2015. Collection method: clinical testing. Allele origin: germline.
Comment: The TTN c.13724A>G variant is predicted to result in the amino acid substitution p.Glu4575Gly. To our knowledge, this variant has not been reported in the literature. This variant is reported in 0.017% of alleles in individuals of African descent in gnomAD. At this time, the clinical significance of this variant is uncertain due to the absence of conclusive functional and genetic evidence.

Fulgent Genetics
Classification: Uncertain significance for Tibial muscular dystrophy; Myopathy, myofibrillar, 9, with early respiratory failure; Dilated cardiomyopathy 1G; Autosomal recessive limb-girdle muscular dystrophy type 2J; Early-onset myopathy with fatal cardiomyopathy; Hypertrophic cardiomyopathy 9. Last evaluated: 2021-09-21. Review status: criteria provided, single submitter. Criteria: ACMG Guidelines, 2015. Collection method: clinical testing. Allele origin: unknown.

Ambry Genetics
Classification: Uncertain significance for Cardiovascular phenotype. Last evaluated: 2017-07-17. Review status: criteria provided, single submitter. Criteria: Ambry Variant Classification Scheme 2023. Collection method: clinical testing. Allele origin: germline.
Comment: The p.E4212G variant (also known as c.12635A>G), located in coding exon 44 of the TTN gene, results from an A to G substitution at nucleotide position 12635. The glutamic acid at codon 4212 is replaced by glycine, an amino acid with some similar properties. This amino acid position is not well conserved in available vertebrate species, and glycine is the reference amino acid in other vertebrate species. In addition, this alteration is predicted to be tolerated by in silico analysis. Since supporting evidence is limited at this time, the clinical significance of this alteration remains unclear.

NM_001267550.2(TTN):c.13724A>G (p.Glu4575Gly)

Gene: TTN (titin; minus strand). Cytogenetic location: 2q31.2.
Variant type: single nucleotide variant.
Coding change: c.13724A>G on transcript NM_001267550.2 (MANE Select); coding-DNA position 13724, A replaced by G.
Protein change: p.Glu4575Gly; replaces glutamic acid 4575 with glycine.
Molecular consequence: missense variant. On other transcripts: intron variant (1).
Genome position (GRCh38, 1-based): chr2:178,739,509, T>C on the plus strand (A>G on the coding strand, the complement: TTN is on the minus strand). VCF-style: chr2-178739509-T-C. GRCh37 (hg19) VCF-style: chr2-179604236-T-C.
Other names: c.12773A>G, p.Glu4258Gly (NM_001256850.1); c.12635A>G, p.Glu4212Gly (NM_003319.4); c.13010A>G, p.Glu4337Gly (NM_133432.3); c.13211A>G, p.Glu4404Gly (NM_133437.4); c.10361-1149A>G (NM_133378.4); short protein forms E4212G, E4575G, E4337G, E4404G, E4258G.
Identifiers: ClinVar variation 519015 (VCV000519015.7), dbSNP rs564287456, ClinGen allele CA2002533.